The following is an entry in ClinVar:

NM_000553.6(WRN):c.3955G>A (p.Val1319Ile)

Gene: WRN (WRN RecQ like helicase; plus strand). Cytogenetic location: 8p12.
Variant type: single nucleotide variant.
Coding change: c.3955G>A on transcript NM_000553.6 (MANE Select); coding-DNA position 3955, G replaced by A.
Protein change: p.Val1319Ile; replaces valine 1319 with isoleucine.
Molecular consequence: missense variant.
Genome position (GRCh38, 1-based): chr8:31,157,503, G>A. VCF-style: chr8-31157503-G-A. GRCh37 (hg19) VCF-style: chr8-31015019-G-A.
Other names: short protein forms V1319I.
Identifiers: ClinVar variation 1366199 (VCV001366199.8), dbSNP rs2130481374, ClinGen allele CA370929614.
Genomic context (GRCh38, chr8:31,157,503, plus strand): 5'-TGCCCCCTTGATTTGGAGCGAGCAGGCCTGACTCCAGAGGTTCAGAAGATTATTGCTGAT[G>A]TTATCCGAAACCCTCCCGTCAACTCAGGTGAGAGGCATGGCCTAGCTCTGCACCCTTAAT-3'
Protein context (NP_000544.2, residues 1309-1329): TPEVQKIIAD[Val1319Ile]IRNPPVNSDM

ClinVar aggregate classification (germline): Uncertain significance (1 of 4 stars; one submission).

Conditions:
Werner syndrome (WRN). Identifiers: Orphanet 902, MedGen C0043119, MONDO:0010196, OMIM 277700.

Allele frequency attached by ClinVar (database versions not stated): gnomAD exomes below 0.00001.
gnomAD v4.1: 1 of 1,614,108 alleles (0.000062%); highest among the groups gnomAD compares: Non-Finnish European, 0.000085%; no homozygotes.

Submission:

Labcorp Genetics (formerly Invitae), Labcorp
Classification: Uncertain significance for Werner syndrome. Last evaluated: 2021-07-06. Review status: criteria provided, single submitter. Criteria: Invitae Variant Classification Sherloc (09022015). Collection method: clinical testing. Allele origin: germline.
Comment: This sequence change replaces valine with isoleucine at codon 1319 of the WRN protein (p.Val1319Ile). The valine residue is moderately conserved and there is a small physicochemical difference between valine and isoleucine. This variant is not present in population databases (ExAC no frequency). This variant has not been reported in the literature in individuals affected with WRN-related conditions. Algorithms developed to predict the effect of missense changes on protein structure and function are either unavailable or do not agree on the potential impact of this missense change (SIFT: "Not Available"; PolyPhen-2: "Benign"; Align-GVGD: "Not Available"). In summary, the available evidence is currently insufficient to determine the role of this variant in disease. Therefore, it has been classified as a Variant of Uncertain Significance.